The following is an entry in ClinVar:

NM_000238.4(KCNH2):c.2350C>T (p.Arg784Trp)

Gene: KCNH2 (potassium voltage-gated channel subfamily H member 2; minus strand). Cytogenetic location: 7q36.1.
Variant type: single nucleotide variant.
Coding change: c.2350C>T on transcript NM_000238.4 (MANE Select); coding-DNA position 2350, C replaced by T.
Protein change: p.Arg784Trp; replaces arginine 784 with tryptophan.
Molecular consequence: missense variant.
Genome position (GRCh38, 1-based): chr7:150,950,216, G>A on the plus strand (C>T on the coding strand, the complement: KCNH2 is on the minus strand). VCF-style: chr7-150950216-G-A. GRCh37 (hg19) VCF-style: chr7-150647304-G-A.
Other names: c.1330C>T, p.Arg444Trp (NM_001204798.2, NM_172057.3); c.2062C>T, p.Arg688Trp (NM_001406753.1, NM_001406756.1); c.2173C>T, p.Arg725Trp (NM_001406755.1); c.2050C>T, p.Arg684Trp (NM_001406757.1); c.2350C>T, p.Arg784Trp (NM_172056.3); c.2350C>T (LRG_288t1); short protein forms R784W, R444W, R684W, R688W, R725W.
Identifiers: ClinVar variation 14433 (VCV000014433.30), dbSNP rs12720441, ClinGen allele CA006462.

ClinVar aggregate classification (germline): Conflicting classifications of pathogenicity. Review status: criteria provided, conflicting classifications (1 of 4 stars). 11 submissions from 11 submitters: Likely pathogenic (3); Uncertain significance (5). 3 of the submissions do not count toward it. Last evaluated 2025-10-17.

Conditions:
KCNH2-related disorder. Also called: KCNH2-related disorders; KCNH2-related condition.
Cardiovascular phenotype. Identifiers: MedGen CN230736.
Cardiac arrhythmia. Also called: Cardiac rhythm disease; Arrhythmia. Identifiers: MedGen C0003811, MONDO:0007263, HP:0011675.
Familial long QT syndrome (RWS). Also called: Romano-Ward syndrome; VENTRICULAR FIBRILLATION WITH PROLONGED QT INTERVAL; Congenital long QT syndrome. Identifiers: Orphanet 768, MedGen C1141890, MONDO:0019171.
Long QT syndrome (LQTS). Identifiers: MedGen C0023976, MeSH D008133, MONDO:0002442. Disease mechanism: loss of function. Inheritance: Various modes of inheritance.
Long QT syndrome 2 (LQT2). Identifiers: Orphanet 101016, Orphanet 768, MedGen C3150943, MONDO:0013367, OMIM 613688.
Reclassified - variant of unknown significance.

Allele frequency attached by ClinVar (database versions not stated): TOPMed 0.00001; gnomAD 0.00001; gnomAD exomes 0.00002.
gnomAD v4.1: 37 of 1,612,406 alleles (0.0023%); highest among the groups gnomAD compares: Non-Finnish European, 0.0031%; no homozygotes.

Submissions (11):

Labcorp Genetics (formerly Invitae), Labcorp
Classification: Uncertain significance for Long QT syndrome. Last evaluated: 2025-10-17. Review status: criteria provided, single submitter. Criteria: Invitae Variant Classification Sherloc (09022015). Collection method: clinical testing. Allele origin: germline.
Comment: This sequence change replaces arginine, which is basic and polar, with tryptophan, which is neutral and slightly polar, at codon 784 of the KCNH2 protein (p.Arg784Trp). This variant is present in population databases (rs12720441, gnomAD 0.002%). This missense change has been observed in individuals with clinical features of long QT syndrome (PMID: 11997281, 15840476, 19841300, 22949429). ClinVar contains an entry for this variant (Variation ID: 14433). An algorithm developed to predict the effect of missense changes on protein structure and function (PolyPhen-2) suggests that this variant is likely to be disruptive. Experimental studies have shown that this missense change affects KCNH2 function (PMID: 11997281, 19172259, 25417810). In summary, the available evidence is currently insufficient to determine the role of this variant in disease. Therefore, it has been classified as a Variant of Uncertain Significance.

Mayo Clinic Laboratories, Mayo Clinic
Classification: Likely pathogenic. Last evaluated: 2025-10-08. Review status: criteria provided, single submitter. Criteria: ACMG Guidelines, 2015. Collection method: clinical testing. Allele origin: germline. Observed: 1 variant allele.
Comment: PP2, PP3_strong, PM1, PS3_supporting

CeGaT Center for Human Genetics Tuebingen
Classification: Likely pathogenic. Last evaluated: 2025-08-01. Review status: criteria provided, single submitter. Criteria: CeGaT Center For Human Genetics Tuebingen Variant Classification Criteria Version 2. Collection method: clinical testing. Allele origin: germline. Affected: yes. Observed: 1 variant allele.
Comment: KCNH2: PM2, PS4:Moderate, PP3, PP4, PS3:Supporting

Color Diagnostics, LLC DBA Color Health
Classification: Uncertain significance for Cardiac arrhythmia. Last evaluated: 2025-06-19. Review status: criteria provided, single submitter. Criteria: ACMG Guidelines, 2015. Collection method: clinical testing. Allele origin: germline.
Comment: This missense variant replaces arginine with tryptophan at codon 784 of the KCNH2 protein. This variant is located within the conserved cyclic nucleotide binding (aa 742-842) of the KCNH2 protein. Rare non-truncating variants in this region have been shown to be significantly overrepresented in individuals with long QT syndrome (PMID: 32893267). Computational prediction suggests that this variant may have a deleterious impact on protein structure and function. In vitro experimental functional studies have shown that this variant may result in deficient protein trafficking (PMID: 25417810), reduced channel current (PMID: 11997281) and faster channel deactivation compared to wild type (PMID: 19172259). This variant has been reported in two individuals affected with long QT syndrome (PMID: 19841300, 22949429) and in an individual suspected to be affected with long QT syndrome (PMID: 15840476). This variant has also been reported in two individuals affected with drug-induced torsades de pointes, a form of ventricular tachycardia (PMID: 11997281, 24223155). This variant has been identified in 3/282186 chromosomes in the general population by the Genome Aggregation Database (gnomAD). The available evidence is insufficient to determine the role of this variant in disease conclusively. Therefore, this variant is classified as a Variant of Uncertain Significance.

All of Us Research Program, National Institutes of Health
Classification: Uncertain significance for Long QT syndrome. Last evaluated: 2024-08-06. Review status: criteria provided, single submitter. Criteria: ACMG Guidelines, 2015. Collection method: clinical testing. Allele origin: germline. Inheritance: Autosomal dominant inheritance. Observed: 7 variant alleles, 7 heterozygotes.
Comment: This missense variant replaces arginine with tryptophan at codon 784 of the KCNH2 protein. Computational prediction suggests that this variant may have a deleterious impact on protein structure and function (internally defined REVEL score threshold >= 0.7, PMID: 27666373). In vitro experimental functional studies have shown that this variant may result in deficient protein trafficking (PMID: 25417810), reduced channel current (PMID: 11997281) and faster channel deactivation compared to wild type (PMID: 19172259). This variant has been reported in two individuals affected with long QT syndrome (PMID: 19841300, 22949429) and in an individual suspected to be affected with long QT syndrome (PMID: 15840476). This variant has also been reported in two individuals affected with drug-induced torsades de pointes, a form of ventricular tachycardia (PMID: 11997281, 24223155). This variant has been identified in 3/282186 chromosomes in the general population by the Genome Aggregation Database (gnomAD). The available evidence is insufficient to determine the role of this variant in disease conclusively. Therefore, this variant is classified as a Variant of Uncertain Significance.

This study involves interpretation of variants in research participants for the purpose of population health screening. Participant phenotype was not available at the time of variant classification. Additional details can be found in publication PMID: 35346344, PMCID: PMC8962531

AiLife Diagnostics
Classification: Likely pathogenic. Last evaluated: 2022-02-21. Review status: criteria provided, single submitter. Criteria: ACMG Guidelines, 2015. Collection method: clinical testing. Allele origin: germline. Affected: yes. Observed: 2 variant alleles.

Ambry Genetics
Classification: Uncertain significance for Cardiovascular phenotype. Last evaluated: 2020-05-07. Review status: criteria provided, single submitter. Criteria: Ambry Variant Classification Scheme 2023. Collection method: clinical testing. Allele origin: germline.

Institute of Human Genetics, University of Leipzig Medical Center
Classification: Uncertain significance for Long QT syndrome 2. Last evaluated: 2019-01-01. Review status: criteria provided, single submitter. Criteria: ACMG Guidelines, 2015. Collection method: clinical testing. Allele origin: unknown. Affected: yes.

PreventionGenetics, part of Exact Sciences
Classification: Uncertain significance for KCNH2-related condition. Last evaluated: 2023-12-06. Review status: no assertion criteria provided. Collection method: clinical testing. Allele origin: germline. Not counted in ClinVar's aggregate classification.
Comment: The KCNH2 c.2350C>T variant is predicted to result in the amino acid substitution p.Arg784Trp. This variant was reported in individuals with long QT syndrome (KCNH2 gene described as HERG, Yang et al. 2002. PubMed ID: 11997281; Tester et al. 2005. PubMed ID: 15840476; Table S2, Giudicessi et al. 2012. PubMed ID: 22949429). Functional analyses suggest that this variant may result in destabilization of the resultant protein and a reduction in channel activity, and authors of one study speculated that this could be a mild variant (Yang et al. 2002. PubMed ID: 11997281; Anderson et al. 2014. PubMed ID: 25417810). However, this variant has also been documented in the general population and in a cohort of asymptomatic individuals with no prior history of cardiovascular events (Table S1, Chen et al. 2018. PubMed ID: 30662450; Lacaze et al. 2021. PubMed ID: 34135346). This variant is reported in 0.0023% of alleles in individuals of European (Non-Finnish) descent in gnomAD. At this time, the clinical significance of this variant is uncertain due to the absence of conclusive functional and genetic evidence.

OMIM
Classification: Uncertain significance for RECLASSIFIED - VARIANT OF UNKNOWN SIGNIFICANCE. Last evaluated: 2002-04-23. Review status: no assertion criteria provided. Collection method: literature only. Allele origin: germline. Not counted in ClinVar's aggregate classification.

Cardiovascular Biomedical Research Unit, Royal Brompton & Harefield NHS Foundation Trust
No classification provided. Condition: Familial long QT syndrome. Review status: no classification provided. Collection method: literature only. Allele origin: germline. Not counted in ClinVar's aggregate classification.
Comment: This variant has been reported as associated with Long QT syndrome in the following publications (PMID:11997281;PMID:14760488;PMID:15840476;PMID:19841300). This is a literature report, and does not necessarily reflect the clinical interpretation of the Imperial College / Royal Brompton Cardiovascular Genetics laboratory.

Literature cited by the submitters: PubMed 11997281 (cited by 7 submitters); PubMed 15840476 (cited by 5 submitters); PubMed 19841300 (cited by 5 submitters); PubMed 22949429 (cited by 5 submitters); PubMed 19172259 (cited by 3 submitters); PubMed 25417810 (cited by 5 submitters); PubMed 34135346 (cited by 3 submitters); PubMed 24223155 (cited by Color Diagnostics, LLC DBA Color Health and All of Us Research Program, National Institutes of Health); PubMed 32893267 (cited by Color Diagnostics, LLC DBA Color Health); PubMed 30662450 (cited by AiLife Diagnostics); PubMed 14760488 (cited by Cardiovascular Biomedical Research Unit, Royal Brompton & Harefield NHS Foundation Trust); PubMed 22581653 (cited by Cardiovascular Biomedical Research Unit, Royal Brompton & Harefield NHS Foundation Trust).